The following is an entry in ClinVar:

ClinVar aggregate classification (germline): Uncertain significance (1 of 4 stars; one submission).

Conditions:
Congenital myotonia, autosomal dominant form (THD). Also called: THOMSEN DISEASE; Myotonia congenita autosomal dominant. Identifiers: Orphanet 614, MedGen C2936781, MONDO:0008055, OMIM 160800.
Congenital myotonia, autosomal recessive form. Also called: BECKER DISEASE; Becker Generalized Myotonia; myotonia congenita, autosomal recessive. Identifiers: Orphanet 614, MedGen C0751360, MONDO:0009715, OMIM 255700.

Allele frequency attached by ClinVar (database versions not stated): gnomAD 0.00001; gnomAD exomes 0.00001 and 0.00002; ExAC 0.00002; TOPMed 0.00002.
gnomAD v4.1: 25 of 1,613,322 alleles (0.0015%); highest among the groups gnomAD compares: African/African-American, 0.0027%; no homozygotes.

Submission:

Labcorp Genetics (formerly Invitae), Labcorp
Classification: Uncertain significance for Congenital myotonia, autosomal recessive form; Congenital myotonia, autosomal dominant form. Last evaluated: 2021-08-26. Review status: criteria provided, single submitter. Criteria: Invitae Variant Classification Sherloc (09022015). Collection method: clinical testing. Allele origin: germline.
Comment: This sequence change replaces serine with arginine at codon 383 of the CLCN1 protein (p.Ser383Arg). The serine residue is moderately conserved and there is a moderate physicochemical difference between serine and arginine. This variant is present in population databases (rs376144544, ExAC 0.003%). This variant has not been reported in the literature in individuals affected with CLCN1-related conditions. Algorithms developed to predict the effect of missense changes on protein structure and function are either unavailable or do not agree on the potential impact of this missense change (SIFT: "Deleterious"; PolyPhen-2: "Probably Damaging"; Align-GVGD: "Class C0"). In summary, the available evidence is currently insufficient to determine the role of this variant in disease. Therefore, it has been classified as a Variant of Uncertain Significance.

NM_000083.3(CLCN1):c.1149C>A (p.Ser383Arg)

Gene: CLCN1 (chloride voltage-gated channel 1; plus strand). Cytogenetic location: 7q34.
Variant type: single nucleotide variant.
Coding change: c.1149C>A on transcript NM_000083.3 (MANE Select); coding-DNA position 1149, C replaced by A.
Protein change: p.Ser383Arg; replaces serine 383 with arginine.
Molecular consequence: missense variant. On other transcripts: non-coding transcript variant (1).
Genome position (GRCh38, 1-based): chr7:143,331,635, C>A. VCF-style: chr7-143331635-C-A. GRCh37 (hg19) VCF-style: chr7-143028728-C-A.
Other names: short protein forms S383R.
Identifiers: ClinVar variation 947798 (VCV000947798.7), dbSNP rs376144544, ClinGen allele CA4537248.